The following is an entry in ClinVar:

NM_021267.5(CERS1):c.901-3C>A

Genes: CERS1 (ceramide synthase 1; minus strand), GDF1 (growth differentiation factor 1; minus strand). Cytogenetic location: 19p13.11.
Variant type: single nucleotide variant.
Coding change: c.901-3C>A on transcript NM_021267.5 (MANE Select); 3 bases into the intron before coding-DNA position 901, C replaced by A.
Molecular consequence: intron variant.
Genome position (GRCh38, 1-based): chr19:18,879,042, G>T on the plus strand (C>A on the coding strand, the complement: CERS1 is on the minus strand). VCF-style: chr19-18879042-G-T. GRCh37 (hg19) VCF-style: chr19-18989851-G-T.
Other names: c.901-3C>A (NM_001387440.1, NM_001387439.1, NM_198207.3); c.607-3C>A (NM_001387443.1, NM_001387442.1, NM_001290265.2 and 2 more transcripts); c.856-3C>A (NM_001387441.1); c.-313+5045C>A (NM_001387438.1); c.-422-3C>A (NM_001492.6).
Identifiers: ClinVar variation 542132 (VCV000542132.6), dbSNP rs1464119106, ClinGen allele CA632627256.

ClinVar aggregate classification (germline): Uncertain significance (1 of 4 stars; one submission).

Conditions:
Progressive myoclonic epilepsy type 8. Identifiers: Orphanet 424027, MedGen C5190825, MONDO:0014545, OMIM 616230.

Allele frequency attached by ClinVar (database versions not stated): TOPMed 0.00001; gnomAD 0.00002.

Submission:

Labcorp Genetics (formerly Invitae), Labcorp
Classification: Uncertain significance for Progressive myoclonic epilepsy type 8. Last evaluated: 2017-12-27. Review status: criteria provided, single submitter. Criteria: Invitae Variant Classification Sherloc (09022015). Collection method: clinical testing. Allele origin: germline.
Comment: This sequence change falls in intron 5 of the CERS1 gene. It does not directly change the encoded amino acid sequence of the CERS1 protein, but it affects a nucleotide within the consensus splice site of the intron. This variant is not present in population databases (ExAC no frequency). This variant has not been reported in the literature in individuals with CERS1-related disease. Nucleotide substitutions within the consensus splice site are a relatively common cause of aberrant splicing (PMID: 17576681, 9536098). Algorithms developed to predict the effect of sequence changes on RNA splicing suggest that this variant may disrupt the consensus splice site, but this prediction has not been confirmed by published transcriptional studies. In summary, the available evidence is currently insufficient to determine the role of this variant in disease. Therefore, it has been classified as a Variant of Uncertain Significance.

Literature cited by the submitters: PubMed 17576681; PubMed 9536098.